The following is an entry in ClinVar:

NM_003242.6(TGFBR2):c.1014G>A (p.Thr338=)

Gene: TGFBR2 (transforming growth factor beta receptor 2; plus strand). Cytogenetic location: 3p24.1.
Variant type: single nucleotide variant.
Coding change: c.1014G>A on transcript NM_003242.6 (MANE Select); coding-DNA position 1014, G replaced by A.
Protein change: p.Thr338=; no amino-acid change (threonine 338 retained).
Molecular consequence: synonymous variant. On other transcripts: intron variant (1).
Genome position (GRCh38, 1-based): chr3:30,672,197, G>A. VCF-style: chr3-30672197-G-A. GRCh37 (hg19) VCF-style: chr3-30713689-G-A.
Other names: c.1089G>A, p.Thr363= (NM_001024847.3); c.1197G>A, p.Thr399= (NM_001407126.1); c.1122G>A, p.Thr374= (NM_001407127.1); c.1041G>A, p.Thr347= (NM_001407128.1); c.1017G>A, p.Thr339= (NM_001407129.1); c.1014G>A, p.Thr338= (NM_001407130.1); c.909G>A, p.Thr303= (NM_001407132.1, NM_001407133.1, NM_001407134.1 and 2 more transcripts); c.729G>A, p.Thr243= (NM_001407137.1); and 2 more.
Identifiers: ClinVar variation 259010 (VCV000259010.40), dbSNP rs764720370, ClinGen allele CA045348.

ClinVar aggregate classification (germline): Benign/Likely benign. Review status: criteria provided, multiple submitters, no conflicts (2 of 4 stars). 10 submissions from 10 submitters: Benign (1); Likely benign (9). Last evaluated 2025-10-12.

Conditions:
Familial thoracic aortic aneurysm and aortic dissection (TAAD). Also called: Thoracic aortic aneurysms and dissections. Identifiers: Orphanet 91387, MedGen C4707243, MONDO:0019625.
Loeys-Dietz syndrome 2 (LDS2). Also called: AORTIC ANEURYSM, FAMILIAL THORACIC 3; MARFAN SYNDROME, TYPE II; Marfan syndrome, type 2 (formerly); TGFBR2-Related Loeys-Dietz Syndrome; Marfan Syndrome type 2; Marfan like connective tissue disorder. Identifiers: Orphanet 284973, Orphanet 558, MedGen C2674574, MONDO:0012427, OMIM 610168.

Allele frequency attached by ClinVar (database versions not stated): gnomAD 0.00001; TOPMed 0.00006.
gnomAD v4.1: 23 of 1,612,168 alleles (0.0014%); highest among the groups gnomAD compares: Admixed American, 0.005%; no homozygotes.

Submissions (10):

Labcorp Genetics (formerly Invitae), Labcorp
Classification: Likely benign for Familial thoracic aortic aneurysm and aortic dissection. Last evaluated: 2025-10-12. Review status: criteria provided, single submitter. Criteria: Invitae Variant Classification Sherloc (09022015). Collection method: clinical testing. Allele origin: germline.

CeGaT Center for Human Genetics Tuebingen
Classification: Likely benign. Last evaluated: 2024-03-01. Review status: criteria provided, single submitter. Criteria: CeGaT Center For Human Genetics Tuebingen Variant Classification Criteria Version 2. Collection method: clinical testing. Allele origin: germline. Affected: yes. Observed: 1 variant allele.
Comment: TGFBR2: BP4, BP7

All of Us Research Program, National Institutes of Health
Classification: Likely benign for Loeys-Dietz syndrome 2. Last evaluated: 2023-12-01. Review status: criteria provided, single submitter. Criteria: ACMG Guidelines, 2015. Collection method: clinical testing. Allele origin: germline. Inheritance: Autosomal dominant inheritance. Observed: 6 variant alleles, 6 heterozygotes.
Comment: This study involves interpretation of variants in research participants for the purpose of population health screening. Participant phenotype was not available at the time of variant classification. Additional details can be found in publication PMID: 35346344, PMCID: PMC8962531

Blueprint Genetics
Classification: Likely benign. Last evaluated: 2022-12-09. Review status: criteria provided, single submitter. Criteria: ACMG Guidelines, 2015. Collection method: clinical testing. Allele origin: germline.

Ambry Genetics
Classification: Likely benign for Familial thoracic aortic aneurysm and aortic dissection. Last evaluated: 2022-07-14. Review status: criteria provided, single submitter. Criteria: Ambry Variant Classification Scheme 2023. Collection method: clinical testing. Allele origin: germline.

Color Diagnostics, LLC DBA Color Health
Classification: Likely benign for Familial thoracic aortic aneurysm and aortic dissection. Last evaluated: 2021-05-10. Review status: criteria provided, single submitter. Criteria: ACMG Guidelines, 2015. Collection method: clinical testing. Allele origin: germline.

Women's Health and Genetics/Laboratory Corporation of America, LabCorp
Classification: Benign. Last evaluated: 2018-02-12. Review status: criteria provided, single submitter. Criteria: LabCorp Variant Classification Summary - May 2015. Collection method: clinical testing. Allele origin: germline.
Comment: Variant summary: TGFBR2 c.1014G>A alters a non-conserved nucleotide resulting in a synonymous change. 5/5 computational tools predict no significant impact on normal splicing. However, these predictions have yet to be confirmed by functional studies. The variant allele was found at a frequency of 2.5e-05 in 120766 control chromosomes. The observed variant frequency is approximately 20 fold above the estimated maximal expected allele frequency for a pathogenic variant in TGFBR2 causing Aortopathy phenotype (1.3e-06), strongly suggesting that the variant is benign. No clinical diagnostic laboratories have submitted clinical-significance assessments for this variant to ClinVar after 2014. Based on the evidence outlined above, the variant was classified as benign.

GeneDx
Classification: Likely benign. Last evaluated: 2018-01-05. Review status: criteria provided, single submitter. Criteria: GeneDx Variant Classification (06012015). Collection method: clinical testing. Allele origin: germline. Affected: yes.
Comment: This variant is considered likely benign or benign based on one or more of the following criteria: it is a conservative change, it occurs at a poorly conserved position in the protein, it is predicted to be benign by multiple in silico algorithms, and/or has population frequency not consistent with disease.

CHEO Genetics Diagnostic Laboratory, Children's Hospital of Eastern Ontario
Classification: Likely benign for Familial thoracic aortic aneurysm and aortic dissection. Last evaluated: 2016-08-05. Review status: criteria provided, single submitter. Criteria: ACMG Guidelines, 2015. Collection method: clinical testing. Allele origin: germline. Study: Canadian Open Genetics Repository.

PreventionGenetics, part of Exact Sciences
Classification: Likely benign. Review status: criteria provided, single submitter. Criteria: ACMG Guidelines, 2015. Collection method: clinical testing. Allele origin: germline.